The following is an entry in ClinVar:

ClinVar aggregate classification (germline): Uncertain significance. Review status: criteria provided, multiple submitters, no conflicts (2 of 4 stars). 2 submissions from 2 submitters: Uncertain significance (2). Last evaluated 2025-11-25.

Conditions:
Brachydactyly type B1 (BDB1). Identifiers: Orphanet 572385, Orphanet 93383, MedGen C1862112, MONDO:0007220, OMIM 113000.
Autosomal recessive Robinow syndrome (RRS1). Also called: ROR2-Related Robinow Syndrome; COSTOVERTEBRAL SEGMENTATION DEFECT WITH MESOMELIA; COVESDEM SYNDROME; ROBINOW SYNDROME, AUTOSOMAL RECESSIVE 1. Identifiers: Orphanet 1507, Orphanet 97360, MedGen C5399974, MONDO:0009999, OMIM 268310.

Allele frequency attached by ClinVar (database versions not stated): gnomAD exomes 0.00003 and 0.00005; gnomAD 0.00004; ExAC 0.00005; ESP Exome Variant Server 0.00008; TOPMed 0.00008.
gnomAD v4.1: 77 of 1,613,618 alleles (0.0048%); highest among the groups gnomAD compares: Middle Eastern, 0.033%; no homozygotes.

Submissions (2):

Labcorp Genetics (formerly Invitae), Labcorp
Classification: Uncertain significance. Last evaluated: 2025-11-25. Review status: criteria provided, single submitter. Criteria: Invitae Variant Classification Sherloc (09022015). Collection method: clinical testing. Allele origin: germline.
Comment: This sequence change replaces aspartic acid, which is acidic and polar, with asparagine, which is neutral and polar, at codon 578 of the ROR2 protein (p.Asp578Asn). This variant is present in population databases (rs139802697, gnomAD 0.007%). This variant has not been reported in the literature in individuals affected with ROR2-related conditions. ClinVar contains an entry for this variant (Variation ID: 1449920). Invitae Evidence Modeling of protein sequence and biophysical properties (such as structural, functional, and spatial information, amino acid conservation, physicochemical variation, residue mobility, and thermodynamic stability) indicates that this missense variant is not expected to disrupt ROR2 protein function with a negative predictive value of 80%. In summary, the available evidence is currently insufficient to determine the role of this variant in disease. Therefore, it has been classified as a Variant of Uncertain Significance.

Fulgent Genetics
Classification: Uncertain significance for Brachydactyly type B1; Autosomal recessive Robinow syndrome. Last evaluated: 2024-04-23. Review status: criteria provided, single submitter. Criteria: ACMG Guidelines, 2015. Collection method: clinical testing. Allele origin: germline.

NM_004560.4(ROR2):c.1732G>A (p.Asp578Asn)

Gene: ROR2 (receptor tyrosine kinase like orphan receptor 2; minus strand). Cytogenetic location: 9q22.31.
Variant type: single nucleotide variant.
Coding change: c.1732G>A on transcript NM_004560.4 (MANE Select); coding-DNA position 1732, G replaced by A.
Protein change: p.Asp578Asn; replaces aspartic acid 578 with asparagine.
Molecular consequence: missense variant.
Genome position (GRCh38, 1-based): chr9:91,724,762, C>T on the plus strand (G>A on the coding strand, the complement: ROR2 is on the minus strand). VCF-style: chr9-91724762-C-T. GRCh37 (hg19) VCF-style: chr9-94487044-C-T.
Other names: short protein forms D578N.
Identifiers: ClinVar variation 1449920 (VCV001449920.10), dbSNP rs139802697, ClinGen allele CA5120592.